The following is an entry in ClinVar:

ClinVar aggregate classification (germline): Uncertain significance. Review status: criteria provided, multiple submitters, no conflicts (2 of 4 stars). 2 submissions from 2 submitters: Uncertain significance (2). Last evaluated 2026-03-03.

Submissions (2):

Dasa
Classification: Uncertain significance. Last evaluated: 2026-03-03. Review status: criteria provided, single submitter. Criteria: DASA Assertion Criteria. Collection method: clinical testing. Allele origin: germline.
Comment: NM_001365951.3(KIF1B):c.1075G>A (p.Val359Ile) is a missense variant that results in the substitution of valine with isoleucine. Multiple computational predictions support a deleterious effect on the gene or gene product. The variant is present at low frequency in population datasets. Based on the available data, this variant is classified as variant of uncertain significance.

Ambry Genetics
Classification: Uncertain significance. Last evaluated: 2024-08-05. Review status: criteria provided, single submitter. Criteria: Ambry Variant Classification Scheme 2023. Collection method: clinical testing. Allele origin: germline.
Comment: The p.V353I variant (also known as c.1057G>A), located in coding exon 11 of the KIF1B gene, results from a G to A substitution at nucleotide position 1057. The valine at codon 353 is replaced by isoleucine, an amino acid with highly similar properties. This amino acid position is conserved. In addition, the in silico prediction for this alteration is inconclusive. Based on the available evidence, the clinical significance of this variant remains unclear.

NM_001365951.3(KIF1B):c.1075G>A (p.Val359Ile)

Gene: KIF1B (kinesin family member 1B; plus strand). Cytogenetic location: 1p36.22.
Variant type: single nucleotide variant.
Coding change: c.1075G>A on transcript NM_001365951.3 (MANE Select); coding-DNA position 1075, G replaced by A.
Protein change: p.Val359Ile; replaces valine 359 with isoleucine.
Molecular consequence: missense variant.
Genome position (GRCh38, 1-based): chr1:10,278,023, G>A. VCF-style: chr1-10278023-G-A. GRCh37 (hg19) VCF-style: chr1-10338081-G-A.
Other names: c.1075G>A, p.Val359Ile (NM_001365952.1); c.1057G>A, p.Val353Ile (NM_001365953.1, NM_015074.3, NM_183416.4); short protein forms V359I, V353I.
Identifiers: ClinVar variation 3533964 (VCV003533964.2).